The following is an entry in ClinVar:

ClinVar aggregate classification (germline): Benign. Review status: criteria provided, multiple submitters, no conflicts (2 of 4 stars). 8 submissions from 8 submitters: Benign (5). 3 of the submissions do not count toward it. Last evaluated 2026-02-04.

Conditions:
Congenital insensitivity to pain-hypohidrosis syndrome. Also called: HSAN VIII; Neuropathy, hereditary sensory and autonomic, type VIII. Identifiers: Orphanet 478664, MedGen C4225308, MONDO:0014662, OMIM 616488.
PRDM12-related disorder. Also called: PRDM12-related condition.

Submissions (8):

Labcorp Genetics (formerly Invitae), Labcorp
Classification: Benign for Congenital insensitivity to pain-hypohidrosis syndrome. Last evaluated: 2026-02-04. Review status: criteria provided, single submitter. Criteria: Invitae Variant Classification Sherloc (09022015). Collection method: clinical testing. Allele origin: germline.

Laboratory of Genetics, Children's Clinical University Hospital Latvia
Classification: Benign. Last evaluated: 2025-02-16. Review status: criteria provided, single submitter. Criteria: ACMG Guidelines, 2015. Collection method: clinical testing. Allele origin: germline. Affected: yes.

Blueprint Genetics
Classification: Benign. Last evaluated: 2024-11-27. Review status: criteria provided, single submitter. Criteria: ACMG Guidelines, 2015. Collection method: clinical testing. Allele origin: germline.

Mayo Clinic Laboratories, Mayo Clinic
Classification: Benign. Last evaluated: 2023-03-03. Review status: criteria provided, single submitter. Criteria: ACMG Guidelines, 2015. Collection method: clinical testing. Allele origin: germline. Observed: 116 variant alleles.
Comment: BA1

GeneDx
Classification: Benign. Last evaluated: 2019-08-20. Review status: criteria provided, single submitter. Criteria: GeneDx Variant Classification Process June 2021. Collection method: clinical testing. Allele origin: germline. Affected: yes.

PreventionGenetics, part of Exact Sciences
Classification: Benign for PRDM12-related condition. Last evaluated: 2019-03-29. Review status: no assertion criteria provided. Collection method: clinical testing. Allele origin: germline. Not counted in ClinVar's aggregate classification.
Comment: This variant is classified as benign based on ACMG/AMP sequence variant interpretation guidelines (Richards et al. 2015 PMID: 25741868, with internal and published modifications).

Clinical Genetics DNA and cytogenetics Diagnostics Lab, Erasmus MC, Erasmus Medical Center
Classification: Benign. Review status: no assertion criteria provided. Collection method: clinical testing. Allele origin: germline. Affected: yes. Study: VKGL Data-share Consensus. Not counted in ClinVar's aggregate classification.

Clinical Genetics, Academic Medical Center
Classification: Benign. Review status: no assertion criteria provided. Collection method: clinical testing. Allele origin: germline. Affected: yes. Study: VKGL Data-share Consensus. Not counted in ClinVar's aggregate classification.

NM_021619.3(PRDM12):c.1041CGC[13] (p.Ala359dup)

Gene: PRDM12 (PR/SET domain 12; plus strand). Cytogenetic location: 9q34.12.
Variant type: Microsatellite.
Coding change: c.1041CGC[13] on transcript NM_021619.3 (MANE Select); 13 copies in a row of the 3-base unit CGC starting at c.1041; the reference has 12 copies in a row; one copy, 3 bases duplicated; also written c.1074_1076dup.
Protein change: p.Ala359dup; duplicates alanine 359.
Molecular consequence: inframe insertion.
Genome position (GRCh38, 1-based): chr9:130,681,639-130,681,641, CGC duplicated; duplicating any 3 consecutive bases within chr9:130,681,606-130,681,641 gives the same sequence; the position shown is the placement nearest the transcript's 3' end. VCF-style (leftmost placement, unchanged base first): chr9-130681605-T-TCGC. GRCh37 (hg19) VCF-style: chr9-133556992-T-TCGC.
Other names: p.Ala359dup; c.1074_1076dup (NM_021619.3); c.1040_1041insCGC (NM_021619.2).
Identifiers: ClinVar variation 475813 (VCV000475813.23), dbSNP rs752427775, ClinGen allele CA200624810.